The following is an entry in ClinVar:

NM_001035.3(RYR2):c.10712G>A (p.Arg3571Lys)

Gene: RYR2 (ryanodine receptor 2; plus strand). Cytogenetic location: 1q43.
Variant type: single nucleotide variant.
Coding change: c.10712G>A on transcript NM_001035.3 (MANE Select); coding-DNA position 10712, G replaced by A.
Protein change: p.Arg3571Lys; replaces arginine 3571 with lysine.
Molecular consequence: missense variant.
Genome position (GRCh38, 1-based): chr1:237,726,295, G>A. VCF-style: chr1-237726295-G-A. GRCh37 (hg19) VCF-style: chr1-237889595-G-A.
Other names: short protein forms R3571K.
Identifiers: ClinVar variation 2454028 (VCV002454028.2), dbSNP rs2149138789, ClinGen allele CA345416734.

ClinVar aggregate classification (germline): Uncertain significance (1 of 4 stars; one submission).

Conditions:
Cardiovascular phenotype. Identifiers: MedGen CN230736.

gnomAD v4.1: 1 of 1,590,188 alleles (0.000063%); highest among the groups gnomAD compares: Non-Finnish European, 0.000086%; no homozygotes.

Submission:

Ambry Genetics
Classification: Uncertain significance for Cardiovascular phenotype. Last evaluated: 2023-03-13. Review status: criteria provided, single submitter. Criteria: Ambry Variant Classification Scheme 2023. Collection method: clinical testing. Allele origin: germline.
Comment: The p.R3571K variant (also known as c.10712G>A), located in coding exon 75 of the RYR2 gene, results from a G to A substitution at nucleotide position 10712. The arginine at codon 3571 is replaced by lysine, an amino acid with highly similar properties. This amino acid position is well conserved in available vertebrate species. In addition, this alteration is predicted to be tolerated by in silico analysis. Since supporting evidence is limited at this time, the clinical significance of this alteration remains unclear.